The following is an entry in ClinVar:

ClinVar aggregate classification (germline): Uncertain significance (1 of 4 stars; one submission).

Allele frequency attached by ClinVar (database versions not stated): gnomAD exomes below 0.00001; gnomAD 0.00001; TOPMed 0.00001.
gnomAD v4.1: 3 of 1,613,972 alleles (0.00019%); highest among the groups gnomAD compares: Non-Finnish European, 0.00025%; no homozygotes.

Submission:

Labcorp Genetics (formerly Invitae), Labcorp
Classification: Uncertain significance. Last evaluated: 2022-12-31. Review status: criteria provided, single submitter. Criteria: Invitae Variant Classification Sherloc (09022015). Collection method: clinical testing. Allele origin: germline.
Comment: Algorithms developed to predict the effect of missense changes on protein structure and function output the following: SIFT: "Tolerated"; PolyPhen-2: "Benign"; Align-GVGD: "Class C0". The alanine amino acid residue is found in multiple mammalian species, which suggests that this missense change does not adversely affect protein function. In summary, the available evidence is currently insufficient to determine the role of this variant in disease. Therefore, it has been classified as a Variant of Uncertain Significance. This variant has not been reported in the literature in individuals affected with C8B-related conditions. This variant is not present in population databases (gnomAD no frequency). This sequence change replaces valine, which is neutral and non-polar, with alanine, which is neutral and non-polar, at codon 111 of the C8B protein (p.Val111Ala).

NM_000066.4(C8B):c.332T>C (p.Val111Ala)

Gene: C8B (complement C8 beta chain; minus strand). Cytogenetic location: 1p32.2.
Variant type: single nucleotide variant.
Coding change: c.332T>C on transcript NM_000066.4 (MANE Select); coding-DNA position 332, T replaced by C.
Protein change: p.Val111Ala; replaces valine 111 with alanine.
Molecular consequence: missense variant.
Genome position (GRCh38, 1-based): chr1:56,956,828, A>G on the plus strand (T>C on the coding strand, the complement: C8B is on the minus strand). VCF-style: chr1-56956828-A-G. GRCh37 (hg19) VCF-style: chr1-57422501-A-G.
Other names: c.176T>C, p.Val59Ala (NM_001278543.2); c.146T>C, p.Val49Ala (NM_001278544.2); short protein forms V111A, V49A, V59A.
Identifiers: ClinVar variation 3001043 (VCV003001043.3), dbSNP rs1351661379, ClinGen allele CA340510591.